The following is an entry in ClinVar:

NM_000777.5(CYP3A5):c.-86G>A

Genes: CYP3A5 (cytochrome P450 family 3 subfamily A member 5; minus strand), ZSCAN25 (zinc finger and SCAN domain containing 25; plus strand), LOC110599592 (CYP3A5 promoter; plus strand). Cytogenetic location: 7q22.1.
Variant type: single nucleotide variant.
Coding change: c.-86G>A on transcript NM_000777.5 (MANE Select); 86 bases upstream of the start codon, G replaced by A.
Molecular consequence: 5 prime UTR variant. On other transcripts: non-coding transcript variant (1).
Genome position (GRCh38, 1-based): chr7:99,679,982, C>T on the plus strand (G>A on the coding strand, the complement: CYP3A5 is on the minus strand). VCF-style: chr7-99679982-C-T. GRCh37 (hg19) VCF-style: chr7-99277605-C-T.
Other names: c.-86G>A (NM_001190484.3); c.-925G>A (NM_001291829.2); c.-376G>A (NM_001291830.2).
Identifiers: ClinVar variation 3041648 (VCV003041648.2), dbSNP rs28365095, ClinGen allele CA163114511.

ClinVar aggregate classification (germline): Likely benign (0 of 4 stars; one submission).

Conditions:
CYP3A5-related disorder. Also called: CYP3A5-related condition.

Allele frequency attached by ClinVar (database versions not stated): 1000 Genomes Project 30x 0.00312; 1000 Genomes Project 0.00339; TOPMed 0.00656; gnomAD exomes 0.01208.

Submission:

PreventionGenetics, part of Exact Sciences
Classification: Likely benign for CYP3A5-related condition. Last evaluated: 2021-12-15. Review status: no assertion criteria provided. Collection method: clinical testing. Allele origin: germline.
Comment: This variant is classified as likely benign based on ACMG/AMP sequence variant interpretation guidelines (Richards et al. 2015 PMID: 25741868, with internal and published modifications).